The following is an entry in ClinVar:

NM_001324418.2(ADAM22):c.85+9G>A

Genes: ADAM22 (ADAM metallopeptidase domain 22; plus strand), LOC129998760 (ATAC-STARR-seq lymphoblastoid silent region 18354; plus strand). Cytogenetic location: 7q21.12.
Variant type: single nucleotide variant.
Coding change: c.85+9G>A on transcript NM_001324418.2 (MANE Select); 9 bases into the intron after coding-DNA position 85, G replaced by A.
Molecular consequence: intron variant.
Genome position (GRCh38, 1-based): chr7:87,934,559, G>A. VCF-style: chr7-87934559-G-A. GRCh37 (hg19) VCF-style: chr7-87563874-G-A.
Other names: c.85+9G>A (NM_001391975.1, NM_001391980.1, NM_001391982.1 and 14 more transcripts).
Identifiers: ClinVar variation 773743 (VCV000773743.5), dbSNP rs148253397, ClinGen allele CA4330022.

ClinVar aggregate classification (germline): Benign. Review status: criteria provided, single submitter (1 of 4 stars). 2 submissions from 2 submitters: Benign (1). 1 of the submissions does not count toward it. Last evaluated 2019-12-31.

Conditions:
ADAM22-related disorder. Also called: ADAM22-related condition.

Allele frequency attached by ClinVar (database versions not stated): 1000 Genomes Project 30x 0.00859; 1000 Genomes Project 0.00919; ESP Exome Variant Server 0.00024; gnomAD exomes 0.00169 and 0.00424; gnomAD 0.00173 and 0.00239; TOPMed 0.00199; ExAC 0.00539.
gnomAD v4.1: 2,881 of 1,604,206 alleles (0.18%); highest among the groups gnomAD compares: East Asian, 3.8%; 49 homozygotes.

Submissions (2):

Labcorp Genetics (formerly Invitae), Labcorp
Classification: Benign. Last evaluated: 2019-12-31. Review status: criteria provided, single submitter. Criteria: Invitae Variant Classification Sherloc (09022015). Collection method: clinical testing. Allele origin: germline.

PreventionGenetics, part of Exact Sciences
Classification: Benign for ADAM22-related condition. Last evaluated: 2024-03-15. Review status: no assertion criteria provided. Collection method: clinical testing. Allele origin: germline. Not counted in ClinVar's aggregate classification.
Comment: This variant is classified as benign based on ACMG/AMP sequence variant interpretation guidelines (Richards et al. 2015 PMID: 25741868, with internal and published modifications).